The following is an entry in ClinVar:

ClinVar aggregate classification (germline): Benign. Review status: criteria provided, single submitter (1 of 4 stars). 3 submissions from 1 submitter: Benign (3). Last evaluated 2018-01-13.

Conditions:
Brooke-Spiegler syndrome. Also called: CYLD Cutaneous Syndrome. Identifiers: Orphanet 79493, MedGen C1857941, MONDO:0011512, OMIM 605041.
Familial multiple trichoepitheliomata. Also called: Familial multiple trichoepithelioma. Identifiers: Orphanet 79493, Orphanet 867, MedGen C1275122, MONDO:0011114.
Familial cylindromatosis. Also called: Turban tumor syndrome; ANCELL-SPIEGLER CYLINDROMAS. Identifiers: Orphanet 211, Orphanet 79493, MedGen C1851526, MONDO:0007565, OMIM 132700.

Allele frequency attached by ClinVar (database versions not stated): gnomAD 0.01185; 1000 Genomes Project 0.01358; TOPMed 0.01359; 1000 Genomes Project 30x 0.01546; gnomAD exomes 0.00232.
gnomAD v4.1: 2,088 of 233,224 alleles (0.9%); highest among the groups gnomAD compares: African/African-American, 4.3%; 48 homozygotes.

Submissions (3):

Illumina Laboratory Services, Illumina
Classification: Benign for Familial cylindromatosis. Last evaluated: 2018-01-13. Review status: criteria provided, single submitter. Criteria: ICSL Variant Classification Criteria 13 December 2019. Collection method: clinical testing. Allele origin: germline.
Comment: This variant was observed in the ICSL laboratory as part of a predisposition screen in an ostensibly healthy population. It had not been previously curated by ICSL or reported in the Human Gene Mutation Database (HGMD: prior to June 1st, 2018), and was therefore a candidate for classification through an automated scoring system. Utilizing variant allele frequency, disease prevalence and penetrance estimates, and inheritance mode, an automated score was calculated to assess if this variant is too frequent to cause the disease. Based on the score and internal cut-off values, a variant classified as benign is not then subjected to further curation. The score for this variant resulted in a classification of benign for this disease.

Illumina Laboratory Services, Illumina
Classification: Benign for Brooke-Spiegler syndrome. Last evaluated: 2018-01-13. Review status: criteria provided, single submitter. Criteria: ICSL Variant Classification Criteria 13 December 2019. Collection method: clinical testing. Allele origin: germline.
Comment: the same text as in the submission from Illumina Laboratory Services, Illumina above.

Illumina Laboratory Services, Illumina
Classification: Benign for Trichoepithelioma, multiple familial, 1. Last evaluated: 2018-01-13. Review status: criteria provided, single submitter. Criteria: ICSL Variant Classification Criteria 13 December 2019. Collection method: clinical testing. Allele origin: germline.
Comment: the same text as in the submission from Illumina Laboratory Services, Illumina above.

NM_001378743.1(CYLD):c.*3739C>G

Genes: CYLD (CYLD lysine 63 deubiquitinase; plus strand), CYLD-AS2 (CYLD antisense RNA 2; minus strand). Cytogenetic location: 16q12.1.
Variant type: single nucleotide variant.
Coding change: c.*3739C>G on transcript NM_001378743.1 (MANE Select); 3739 bases downstream of the stop codon, C replaced by G.
Molecular consequence: 3 prime UTR variant. On other transcripts: non-coding transcript variant (1).
Genome position (GRCh38, 1-based): chr16:50,800,247, C>G. VCF-style: chr16-50800247-C-G. GRCh37 (hg19) VCF-style: chr16-50834158-C-G.
Other names: c.*3739C>G (NM_001042355.2, NM_001042412.3, NM_001378744.1 and 12 more transcripts).
Identifiers: ClinVar variation 319559 (VCV000319559.5), dbSNP rs16948836, ClinGen allele CA10637918.
Genomic context (GRCh38, chr16:50,800,247, plus strand): 5'-TGTATGGGAAAAAAATACAAATTCCTGGGTCCTAGGCCATGCCTGCTGAATCCGACTGTT[C>G]AGGAAGAGGCCTAGGAAATCTGTGAGGGAATCCCCAGGGGAATCTCGTGACCAGCCAGGT-3'